The following is an entry in ClinVar:

NM_000112.4(SLC26A2):c.1343C>G (p.Ser448Ter)

Gene: SLC26A2 (solute carrier family 26 member 2; plus strand). Cytogenetic location: 5q32.
Variant type: single nucleotide variant.
Coding change: c.1343C>G on transcript NM_000112.4 (MANE Select); coding-DNA position 1343, C replaced by G.
Protein change: p.Ser448Ter; replaces serine 448 with a stop codon.
Molecular consequence: nonsense.
Genome position (GRCh38, 1-based): chr5:149,980,936, C>G. VCF-style: chr5-149980936-C-G. GRCh37 (hg19) VCF-style: chr5-149360499-C-G.
Other names: short protein forms S448*.
Identifiers: ClinVar variation 835924 (VCV000835924.11), dbSNP rs771098555, ClinGen allele CA3505424.

ClinVar aggregate classification (germline): Pathogenic (1 of 4 stars; one submission).

Conditions:
Multiple epiphyseal dysplasia type 4 (EDM4). Also called: MULTIPLE EPIPHYSEAL DYSPLASIA WITH BILAYERED PATELLAE; MULTIPLE EPIPHYSEAL DYSPLASIA WITH CLUBFOOT; MULTIPLE EPIPHYSEAL DYSPLASIA, AUTOSOMAL RECESSIVE; Multiple Epiphyseal Dysplasia, Recessive; SLC26A2-Related Multiple Epiphyseal Dysplasia. Identifiers: Orphanet 93307, MedGen C1847593, MONDO:0009189, OMIM 226900.
Achondrogenesis, type IB (ACG1B). Also called: Achondrogenesis Type 1B. Identifiers: Orphanet 932, Orphanet 93298, MedGen C0265274, MONDO:0010966, OMIM 600972.
Diastrophic dysplasia (DTD). Also called: Diastrophic dwarfism. Identifiers: Orphanet 628, MedGen C0220726, MONDO:0009107, OMIM 222600.
Atelosteogenesis type II (AO2). Also called: NEONATAL OSSEOUS DYSPLASIA I; SLC26A2-Related Atelosteogenesis; Neonatal osseous dysplasia 1. Identifiers: Orphanet 56304, MedGen C1850554, MONDO:0009727, OMIM 256050.

Allele frequency attached by ClinVar (database versions not stated): gnomAD exomes below 0.00001; TOPMed below 0.00001; ExAC 0.00001; gnomAD 0.00001.
gnomAD v4.1: 2 of 1,614,026 alleles (0.00012%); highest among the groups gnomAD compares: Admixed American, 0.0033%; no homozygotes.

Submission:

Labcorp Genetics (formerly Invitae), Labcorp
Classification: Pathogenic for Atelosteogenesis type II; Multiple epiphyseal dysplasia type 4; Achondrogenesis, type IB; Diastrophic dysplasia. Last evaluated: 2019-12-23. Review status: criteria provided, single submitter. Criteria: Invitae Variant Classification Sherloc (09022015). Collection method: clinical testing. Allele origin: germline.
Comment: This sequence change results in a premature translational stop signal in the SLC26A2 gene (p.Ser448*). While this is not anticipated to result in nonsense mediated decay, it is expected to disrupt the last 292 amino acids of the SLC26A2 protein. For these reasons, this variant has been classified as Pathogenic. This variant disrupts the C-terminus of the SLC26A2 protein. Other variant(s) that disrupt this region (p.Lys575Serfs*) have been determined to be pathogenic (PMID: 8571951, 8528239). This suggests that variants that disrupt this region of the protein are likely to be causative of disease. This variant has not been reported in the literature in individuals with SLC26A2-related conditions. This variant is present in population databases (rs771098555, ExAC 0.009%).

Literature cited by the submitters: PubMed 8571951; PubMed 8528239.